The following is an entry in ClinVar:

NM_001256789.3(CACNA1F):c.5446C>T (p.Arg1816Ter)

Gene: CACNA1F (calcium voltage-gated channel subunit alpha1 F; minus strand). Cytogenetic location: Xp11.23.
Variant type: single nucleotide variant.
Coding change: c.5446C>T on transcript NM_001256789.3 (MANE Select); coding-DNA position 5446, C replaced by T.
Protein change: p.Arg1816Ter; replaces arginine 1816 with a stop codon.
Molecular consequence: nonsense.
Genome position (GRCh38, 1-based): chrX:49,206,537, G>A on the plus strand (C>T on the coding strand, the complement: CACNA1F is on the minus strand). VCF-style: chrX-49206537-G-A. GRCh37 (hg19) VCF-style: chrX-49062998-G-A.
Other names: c.5284C>T, p.Arg1762Ter (NM_001256790.3); c.5479C>T, p.Arg1827Ter (NM_005183.4); short protein forms R1762*, R1816*, R1827*.
Identifiers: ClinVar variation 988790 (VCV000988790.7), dbSNP rs782034481, ClinGen allele CA10409977.

ClinVar aggregate classification (germline): Pathogenic. Review status: criteria provided, multiple submitters, no conflicts (2 of 4 stars). 3 submissions from 3 submitters: Pathogenic (2). 1 of the submissions does not count toward it. Last evaluated 2026-09-17.

Conditions:
Congenital stationary night blindness 2A (CSNB2A). Also called: Night blindness, congenital stationary (incomplete), 2A, X-linked; NIGHT BLINDNESS, CONGENITAL STATIONARY, TYPE 2; CACNA1F-Related X-Linked Congenital Stationary Night Blindness; CSNB, INCOMPLETE, X-LINKED. Identifiers: Orphanet 215, MedGen C1848172, MONDO:0010241, OMIM 300071.

Allele frequency attached by ClinVar (database versions not stated): gnomAD exomes below 0.00001 and 0.00001; TOPMed below 0.00001; ExAC 0.00001; gnomAD 0.00001.
gnomAD v4.1: 4 of 1,204,541 alleles (0.00033%); highest among the groups gnomAD compares: South Asian, 0.0035%; no homozygotes.

Submissions (4):

GeneDx
Classification: Pathogenic. Last evaluated: 2026-09-17. Review status: criteria provided, single submitter. Criteria: GeneDx Variant Classification Process June 2021. Collection method: clinical testing. Allele origin: germline.
Comment: Reported in the published literature with inherited retinal diseases, including one patient with congenital stationary night blindness and nystagmus (PMID: 12111638, 38117582, 30825406, 39495751, 34064005); Nonsense variant predicted to result in protein truncation or nonsense mediated decay in a gene for which loss of function is a known mechanism of disease; Not observed at significant frequency in large population cohorts (gnomAD); This variant is associated with the following publications: (PMID: 25525159, 29854783, 25966695, 39495751, 12111638, 30825406, 34064005, 38117582, 24796500)

Labcorp Genetics (formerly Invitae), Labcorp
Classification: Pathogenic. Last evaluated: 2023-02-08. Review status: criteria provided, single submitter. Criteria: Invitae Variant Classification Sherloc (09022015). Collection method: clinical testing. Allele origin: germline.
Comment: ClinVar contains an entry for this variant (Variation ID: 988790). For these reasons, this variant has been classified as Pathogenic. This variant is also known as R1816X. This premature translational stop signal has been observed in individual(s) with congenital stationary night blindness (PMID: 12111638). This variant is present in population databases (rs782034481, gnomAD 0.005%). This sequence change creates a premature translational stop signal (p.Arg1827*) in the CACNA1F gene. It is expected to result in an absent or disrupted protein product. Loss-of-function variants in CACNA1F are known to be pathogenic (PMID: 9662399, 11281458, 17525176, 22194652, 24124559, 26992781).

Dr. Peter K. Rogan Lab, Western University
No classification provided (evidence only). Condition: Thyroid cancer, nonmedullary, 1. Review status: no classification provided. Collection method: in vitro. Allele origin: not applicable. Functional consequence: retained intron. Not counted in ClinVar's aggregate classification.

Laboratory of Genetics in Ophthalmology, Institut Imagine
Classification: Pathogenic for Congenital stationary night blindness, type 2A. Review status: no assertion criteria provided. Collection method: research. Allele origin: maternal. Affected: yes. Observed: 1 variant allele. Not counted in ClinVar's aggregate classification.

Literature cited by the submitters: PubMed 12111638 (cited by Labcorp Genetics (formerly Invitae), Labcorp and Laboratory of Genetics in Ophthalmology, Institut Imagine); PubMed 9662399 (cited by Labcorp Genetics (formerly Invitae), Labcorp); PubMed 11281458 (cited by Labcorp Genetics (formerly Invitae), Labcorp); PubMed 17525176 (cited by Labcorp Genetics (formerly Invitae), Labcorp); PubMed 22194652 (cited by Labcorp Genetics (formerly Invitae), Labcorp); PubMed 24124559 (cited by Labcorp Genetics (formerly Invitae), Labcorp); PubMed 26992781 (cited by Labcorp Genetics (formerly Invitae), Labcorp).